The following is an entry in ClinVar:

ClinVar aggregate classification (germline): Conflicting classifications of pathogenicity. Review status: criteria provided, conflicting classifications (1 of 4 stars). 4 submissions from 4 submitters: Uncertain significance (3); Likely benign (1). Last evaluated 2024-09-20.

Conditions:
Van Maldergem syndrome 2 (VMLDS2). Identifiers: Orphanet 314679, MedGen C3809875, MONDO:0014242, OMIM 615546.
Hennekam lymphangiectasia-lymphedema syndrome 2 (HKLLS2). Identifiers: Orphanet 2136, MedGen C4014939, MONDO:0014454, OMIM 616006.

Allele frequency attached by ClinVar (database versions not stated): ExAC 0.00002; TOPMed 0.00003; gnomAD 0.00004.
gnomAD v4.1: 74 of 1,613,938 alleles (0.0046%); highest among the groups gnomAD compares: African/African-American, 0.0093%; no homozygotes.

Submissions (4):

3billion
Classification: Likely benign for Van Maldergem syndrome 2; Hennekam lymphangiectasia-lymphedema syndrome 2. Last evaluated: 2024-09-20. Review status: criteria provided, single submitter. Criteria: ACMG Guidelines, 2015. Collection method: clinical testing. Allele origin: germline. Affected: no.
Comment: The homozygous variant was found in patients diagnosed with another variant in a different gene, with no symptoms related to the gene containing the homozygous variant.

Labcorp Genetics (formerly Invitae), Labcorp
Classification: Uncertain significance. Last evaluated: 2024-09-16. Review status: criteria provided, single submitter. Criteria: Invitae Variant Classification Sherloc (09022015). Collection method: clinical testing. Allele origin: germline.
Comment: This sequence change replaces valine, which is neutral and non-polar, with methionine, which is neutral and non-polar, at codon 1410 of the FAT4 protein (p.Val1410Met). This variant is present in population databases (rs781736766, gnomAD 0.01%). This variant has not been reported in the literature in individuals affected with FAT4-related conditions. ClinVar contains an entry for this variant (Variation ID: 1307026). Invitae Evidence Modeling of protein sequence and biophysical properties (such as structural, functional, and spatial information, amino acid conservation, physicochemical variation, residue mobility, and thermodynamic stability) has been performed for this missense variant. However, the output from this modeling did not meet the statistical confidence thresholds required to predict the impact of this variant on FAT4 protein function. In summary, the available evidence is currently insufficient to determine the role of this variant in disease. Therefore, it has been classified as a Variant of Uncertain Significance.

Fulgent Genetics
Classification: Uncertain significance for Van Maldergem syndrome 2; Hennekam lymphangiectasia-lymphedema syndrome 2. Last evaluated: 2024-05-16. Review status: criteria provided, single submitter. Criteria: ACMG Guidelines, 2015. Collection method: clinical testing. Allele origin: germline.

GeneDx
Classification: Uncertain significance. Last evaluated: 2021-12-09. Review status: criteria provided, single submitter. Criteria: GeneDx Variant Classification Process June 2021. Collection method: clinical testing. Allele origin: germline. Affected: yes.
Comment: Has not been previously published as pathogenic or benign to our knowledge; In silico analysis, which includes protein predictors and evolutionary conservation, supports that this variant does not alter protein structure/function; Not observed at significant frequency in large population cohorts (Lek et al., 2016)

NM_001291303.3(FAT4):c.4228G>A (p.Val1410Met)

Gene: FAT4 (FAT atypical cadherin 4; plus strand). Cytogenetic location: 4q28.1.
Variant type: single nucleotide variant.
Coding change: c.4228G>A on transcript NM_001291303.3 (MANE Select); coding-DNA position 4228, G replaced by A.
Protein change: p.Val1410Met; replaces valine 1410 with methionine.
Molecular consequence: missense variant.
Genome position (GRCh38, 1-based): chr4:125,320,639, G>A. VCF-style: chr4-125320639-G-A. GRCh37 (hg19) VCF-style: chr4-126241794-G-A.
Other names: c.4228G>A, p.Val1410Met (NM_001291285.3, NM_024582.6); c.4228G>A (NM_024582.5); short protein forms V1410M.
Identifiers: ClinVar variation 1307026 (VCV001307026.8), dbSNP rs781736766, ClinGen allele CA3072434.